The following is an entry in ClinVar:

ClinVar aggregate classification (germline): Likely benign. Review status: criteria provided, multiple submitters, no conflicts (2 of 4 stars). 5 submissions from 5 submitters: Likely benign (5). Last evaluated 2025-12-29.

Conditions:
Renal cell carcinoma. Identifiers: Orphanet 217071, MedGen C0007134, MeSH D002292, MONDO:0005086, HP:0005584.
Papillary renal cell carcinoma type 1 (RCCP1). Also called: Renal adenocarcinoma; Renal cell carcinoma 1; Renal cell carcinoma, somatic; RENAL CELL CARCINOMA, PAPILLARY, 1, SOMATIC. Identifiers: Orphanet 47044, MedGen C1336839, OMIM 605074, HP:0011797.

Allele frequency attached by ClinVar (database versions not stated): ExAC 0.00002; gnomAD exomes 0.00002 and 0.00005; TOPMed 0.00011; gnomAD 0.00012 and 0.00013.
gnomAD v4.1: 50 of 1,606,280 alleles (0.0031%); highest among the groups gnomAD compares: Admixed American, 0.037%; no homozygotes.

Submissions (5):

Center for Genomic Medicine, Rigshospitalet, Copenhagen University Hospital
Classification: Likely benign. Last evaluated: 2025-12-29. Review status: criteria provided, single submitter. Criteria: ACMG Guidelines, 2015. Collection method: clinical testing. Allele origin: germline.

Labcorp Genetics (formerly Invitae), Labcorp
Classification: Likely benign for Renal cell carcinoma. Last evaluated: 2025-10-26. Review status: criteria provided, single submitter. Criteria: Invitae Variant Classification Sherloc (09022015). Collection method: clinical testing. Allele origin: germline.

Myriad Genetics, Inc.
Classification: Likely benign for Papillary renal cell carcinoma type 1. Last evaluated: 2024-11-11. Review status: criteria provided, single submitter. Criteria: Myriad Autosomal Dominant, Autosomal Recessive and X-Linked Classification Criteria (2023). Collection method: clinical testing. Allele origin: unknown.
Comment: This variant is considered likely benign. This variant is intronic and is not expected to impact mRNA splicing.

Blueprint Genetics
Classification: Likely benign. Last evaluated: 2023-09-07. Review status: criteria provided, single submitter. Criteria: ACMG Guidelines, 2015. Collection method: clinical testing. Allele origin: germline.

Illumina Laboratory Services, Illumina
Classification: Likely benign for Papillary renal cell carcinoma type 1. Last evaluated: 2018-01-13. Review status: criteria provided, single submitter. Criteria: ICSL Variant Classification Criteria 13 December 2019. Collection method: clinical testing. Allele origin: germline.
Comment: This variant was observed in the ICSL laboratory as part of a predisposition screen in an ostensibly healthy population. It had not been previously curated by ICSL or reported in the Human Gene Mutation Database (HGMD: prior to June 1st, 2018), and was therefore a candidate for classification through an automated scoring system. Utilizing variant allele frequency, disease prevalence and penetrance estimates, and inheritance mode, an automated score was calculated to assess if this variant is too frequent to cause the disease. Based on the score and internal cut-off values, a variant classified as likely benign is not then subjected to further curation. The score for this variant resulted in a classification of likely benign for this disease.

NM_000245.4(MET):c.2365-14G>T

Gene: MET (MET proto-oncogene, receptor tyrosine kinase; plus strand). Cytogenetic location: 7q31.2.
Variant type: single nucleotide variant.
Coding change: c.2365-14G>T on transcript NM_000245.4 (MANE Select); 14 bases into the intron before coding-DNA position 2365, G replaced by T.
Molecular consequence: intron variant.
Genome position (GRCh38, 1-based): chr7:116,763,036, G>T. VCF-style: chr7-116763036-G-T. GRCh37 (hg19) VCF-style: chr7-116403090-G-T.
Other names: c.2419-14G>T (NM_001127500.3); c.1075-14G>T (NM_001324402.2); c.2365-14G>T (NM_001324401.3).
Identifiers: ClinVar variation 358691 (VCV000358691.15), dbSNP rs769247886, ClinGen allele CA4448480.